The following is an entry in ClinVar:

NM_001035.3(RYR2):c.5993A>T (p.Asp1998Val)

Gene: RYR2 (ryanodine receptor 2; plus strand). Cytogenetic location: 1q43.
Variant type: single nucleotide variant.
Coding change: c.5993A>T on transcript NM_001035.3 (MANE Select); coding-DNA position 5993, A replaced by T.
Protein change: p.Asp1998Val; replaces aspartic acid 1998 with valine.
Molecular consequence: missense variant.
Genome position (GRCh38, 1-based): chr1:237,623,841, A>T. VCF-style: chr1-237623841-A-T. GRCh37 (hg19) VCF-style: chr1-237787141-A-T.
Other names: short protein forms D1998V.
Identifiers: ClinVar variation 2774314 (VCV002774314.2), dbSNP rs2546860093, ClinGen allele CA345408294.

ClinVar aggregate classification (germline): Uncertain significance (1 of 4 stars; one submission).

Conditions:
Cardiomyopathy (CMYO). Also called: Cardiomyopathies. Identifiers: Orphanet 167848, MedGen C0878544, MONDO:0004994, HP:0001638. Inheritance: Various modes of inheritance.

Submission:

Color Diagnostics, LLC DBA Color Health
Classification: Uncertain significance for Cardiomyopathy. Last evaluated: 2024-03-06. Review status: criteria provided, single submitter. Criteria: ACMG Guidelines, 2015. Collection method: clinical testing. Allele origin: germline.
Comment: This missense variant replaces aspartic acid with valine at codon 1998 of the RYR2 protein. Computational prediction suggests that this variant may not impact protein structure and function (internally defined REVEL score threshold <= 0.5, PMID: 27666373). To our knowledge, functional studies have not been reported for this variant. This variant has not been reported in individuals affected with cardiovascular disorders in the literature. This variant has not been identified in the general population by the Genome Aggregation Database (gnomAD). The available evidence is insufficient to determine the role of this variant in disease conclusively. Therefore, this variant is classified as a Variant of Uncertain Significance.